The following is an entry in ClinVar:

NM_025099.6(CTC1):c.1198T>C (p.Cys400Arg)

Gene: CTC1 (CST telomere replication complex component 1; minus strand). Cytogenetic location: 17p13.1.
Variant type: single nucleotide variant.
Coding change: c.1198T>C on transcript NM_025099.6 (MANE Select); coding-DNA position 1198, T replaced by C.
Protein change: p.Cys400Arg; replaces cysteine 400 with arginine.
Molecular consequence: missense variant. On other transcripts: non-coding transcript variant (1).
Genome position (GRCh38, 1-based): chr17:8,235,839, A>G on the plus strand (T>C on the coding strand, the complement: CTC1 is on the minus strand). VCF-style: chr17-8235839-A-G. GRCh37 (hg19) VCF-style: chr17-8139157-A-G.
Other names: c.1198T>C, p.Cys400Arg (NM_001411067.1); short protein forms C400R.
Identifiers: ClinVar variation 2918329 (VCV002918329.3), dbSNP rs2507928626, ClinGen allele CA397986560.
Genomic context (GRCh38, chr17:8,235,839, plus strand): 5'-GTAAGAGAAGCTGCAGAGGTCTCTTTTTGTTATCAGCCCTGATCTCACATACCTGCAGAC[A>G]CACTCCAGGTCGCATCACCCGCCTAAGGCCACGGAACTGCTGGTAGGCAAGGCAGAGCCC-3'
Protein context (NP_079375.3, residues 390-410): GLRRVMRPGV[Cys400Arg]LQLQDVHLLQ

ClinVar aggregate classification (germline): Uncertain significance (1 of 4 stars; one submission).

Conditions:
Dyskeratosis congenita. Identifiers: Orphanet 1775, MedGen C0265965, MONDO:0015780.

Allele frequency attached by ClinVar (database versions not stated): gnomAD exomes below 0.00001.
gnomAD v4.1: 2 of 1,608,874 alleles (0.00012%); highest among the groups gnomAD compares: Non-Finnish European, 0.00017%; no homozygotes.

Submission:

Labcorp Genetics (formerly Invitae), Labcorp
Classification: Uncertain significance for Dyskeratosis congenita. Last evaluated: 2023-11-10. Review status: criteria provided, single submitter. Criteria: Invitae Variant Classification Sherloc (09022015). Collection method: clinical testing. Allele origin: germline.
Comment: This sequence change replaces cysteine, which is neutral and slightly polar, with arginine, which is basic and polar, at codon 400 of the CTC1 protein (p.Cys400Arg). This variant is not present in population databases (gnomAD no frequency). This variant has not been reported in the literature in individuals affected with CTC1-related conditions. Advanced modeling of protein sequence and biophysical properties (such as structural, functional, and spatial information, amino acid conservation, physicochemical variation, residue mobility, and thermodynamic stability) performed at Invitae indicates that this missense variant is not expected to disrupt CTC1 protein function with a negative predictive value of 80%. In summary, the available evidence is currently insufficient to determine the role of this variant in disease. Therefore, it has been classified as a Variant of Uncertain Significance.